The following is an entry in ClinVar:

ClinVar aggregate classification (germline): Uncertain significance. Review status: criteria provided, multiple submitters, no conflicts (2 of 4 stars). 3 submissions from 3 submitters: Uncertain significance (2). 1 of the submissions does not count toward it. Last evaluated 2026-01-24.

Conditions:
Cardiovascular phenotype. Identifiers: MedGen CN230736.
RASopathy. Also called: rasopathies; Noonan spectrum disorder. Identifiers: Orphanet 536391, MedGen C5555857, MONDO:0021060.

Allele frequency attached by ClinVar (database versions not stated): gnomAD exomes below 0.00001 and 0.00001; TOPMed below 0.00001.
gnomAD v4.1: 3 of 1,612,040 alleles (0.00019%); highest among the groups gnomAD compares: Admixed American, 0.005%; no homozygotes.

Submissions (3):

Labcorp Genetics (formerly Invitae), Labcorp
Classification: Uncertain significance for RASopathy. Last evaluated: 2026-01-24. Review status: criteria provided, single submitter. Criteria: Invitae Variant Classification Sherloc (09022015). Collection method: clinical testing. Allele origin: germline.
Comment: This sequence change replaces glutamic acid, which is acidic and polar, with lysine, which is basic and polar, at codon 693 of the CBL protein (p.Glu693Lys). This variant is present in population databases (rs587778156, gnomAD 0.003%). This variant has not been reported in the literature in individuals affected with CBL-related conditions. ClinVar contains an entry for this variant (Variation ID: 133809). Invitae Evidence Modeling of protein sequence and biophysical properties (such as structural, functional, and spatial information, amino acid conservation, physicochemical variation, residue mobility, and thermodynamic stability) indicates that this missense variant is not expected to disrupt CBL protein function with a negative predictive value of 95%. In summary, the available evidence is currently insufficient to determine the role of this variant in disease. Therefore, it has been classified as a Variant of Uncertain Significance.

Ambry Genetics
Classification: Uncertain significance for Cardiovascular phenotype. Last evaluated: 2024-12-04. Review status: criteria provided, single submitter. Criteria: Ambry Variant Classification Scheme 2023. Collection method: clinical testing. Allele origin: germline.

ITMI
No classification provided. Condition: AllHighlyPenetrant. Last evaluated: 2013-09-19. Review status: no classification provided. Collection method: reference population. Allele origin: germline. Not counted in ClinVar's aggregate classification.
Comment: Please see associated publication for description of ethnicities

Literature cited by the submitters: PubMed 24728327 (cited by ITMI).

NM_005188.4(CBL):c.2077G>A (p.Glu693Lys)

Gene: CBL (Cbl proto-oncogene; plus strand). Cytogenetic location: 11q23.3.
Variant type: single nucleotide variant.
Coding change: c.2077G>A on transcript NM_005188.4 (MANE Select); coding-DNA position 2077, G replaced by A.
Protein change: p.Glu693Lys; replaces glutamic acid 693 with lysine.
Molecular consequence: missense variant.
Genome position (GRCh38, 1-based): chr11:119,296,958, G>A. VCF-style: chr11-119296958-G-A. GRCh37 (hg19) VCF-style: chr11-119167668-G-A.
Other names: c.2077G>A (NM_005188.2); short protein forms E693K.
Identifiers: ClinVar variation 133809 (VCV000133809.9), dbSNP rs587778156, ClinGen allele CA157854.